The following is an entry in ClinVar:

NM_001042492.3(NF1):c.5030TCTATA[3] (p.Tyr1680_Asn1681insIleTyr)

Gene: NF1 (neurofibromin 1; plus strand). Cytogenetic location: 17q11.2.
Variant type: Microsatellite.
Coding change: c.5030TCTATA[3] on transcript NM_001042492.3 (MANE Select); three copies in a row of the 6-base unit TCTATA starting at c.5030; the reference has two copies in a row; one copy, 6 bases duplicated.
Protein change: p.Tyr1680_Asn1681insIleTyr.
Molecular consequence: inframe insertion. On other transcripts: inframe indel (1).
Genome position (GRCh38, 1-based): chr17:31,326,020-31,326,025, TCTATA duplicated; duplicating any 6 consecutive bases within chr17:31,326,014-31,326,025 gives the same sequence; the position shown is the placement nearest the transcript's 3' end. VCF-style (leftmost placement, unchanged base first): chr17-31326013-G-GTCTATA. GRCh37 (hg19) VCF-style: chr17-29653031-G-GTCTATA.
Other names: c.4973_4978dupTCTATA (NM_000267.3); c.4967_4972TCTATA[3], p.Tyr1659_Asn1660insIleTyr (NM_000267.4).
Identifiers: ClinVar variation 1036356 (VCV001036356.6), dbSNP rs1135402868, ClinGen allele CA2255615520.

ClinVar aggregate classification (germline): Conflicting classifications of pathogenicity. Review status: criteria provided, conflicting classifications (1 of 4 stars). 2 submissions from 2 submitters: Likely pathogenic (1); Uncertain significance (1). Last evaluated 2026-04-14.

Conditions:
Neurofibromatosis, type 1 (NF1). Also called: NEUROFIBROMATOSIS, TYPE I, SOMATIC; Neurofibromatosis, type I; VON RECKLINGHAUSEN DISEASE; Peripheral type neurofibromatosis. Identifiers: Orphanet 636, MedGen C0027831, MONDO:0018975, OMIM 162200. Disease mechanism: loss of function.
Cardiovascular phenotype. Identifiers: MedGen CN230736.
Hereditary cancer-predisposing syndrome. Also called: Hereditary neoplastic syndrome; Neoplastic Syndromes, Hereditary; Tumor predisposition; Hereditary Cancer Syndrome. Identifiers: Orphanet 140162, MedGen C0027672, MeSH D009386, MONDO:0015356.

Submissions (2):

Ambry Genetics
Classification: Likely pathogenic for Cardiovascular phenotype; Hereditary cancer-predisposing syndrome. Last evaluated: 2026-04-14. Review status: criteria provided, single submitter. Criteria: Ambry Variant Classification Scheme 2023. Collection method: clinical testing. Allele origin: germline.
Comment: The c.4973_4978dupTCTATA variant (also known as p.I1658_Y1659dup), located in coding exon 36 of the NF1 gene, results from an in-frame duplication of TCTATA at nucleotide positions 4973 to 4978. This results in the duplication of 2 extra residues (IY) between codons 1658 and 1659. This variant was reported in individual(s) with features consistent with neurofibromatosis type I (Ko JM et al. Pediatr Neurol, 2013 Jun;48:447-53; Ambry internal data). This variant is considered to be rare based on population cohorts in the Genome Aggregation Database (gnomAD). This amino acid region is well conserved in available vertebrate species and the impacted region is critical for protein function (Ambry internal data). In addition, this variant is predicted to be deleterious by in silico analysis (Choi Y et al. PLoS ONE. 2012; 7(10):e46688). Based on the majority of available evidence to date, this variant is likely to be pathogenic.

Labcorp Genetics (formerly Invitae), Labcorp
Classification: Uncertain significance for Neurofibromatosis, type 1. Last evaluated: 2021-09-17. Review status: criteria provided, single submitter. Criteria: Invitae Variant Classification Sherloc (09022015). Collection method: clinical testing. Allele origin: germline.
Comment: This variant is not present in population databases (ExAC no frequency). This variant, c.4973_4978dup, results in the insertion of 2 amino acid(s) to the NF1 protein (p.Ile1658_Tyr1659dup), but otherwise preserves the integrity of the reading frame. This variant has not been reported in the literature in individuals affected with NF1-related conditions. In summary, the available evidence is currently insufficient to determine the role of this variant in disease. Therefore, it has been classified as a Variant of Uncertain Significance. Experimental studies and prediction algorithms are not available or were not evaluated, and the functional significance of this variant is currently unknown.

Literature cited by the submitters: PubMed 23668869 (cited by Ambry Genetics).